The following is an entry in ClinVar:

NM_001029896.2(WDR45):c.1021G>A (p.Gly341Arg)

Gene: WDR45 (WD repeat domain 45; minus strand). Cytogenetic location: Xp11.23.
Variant type: single nucleotide variant.
Coding change: c.1021G>A on transcript NM_001029896.2 (MANE Select); coding-DNA position 1021, G replaced by A.
Protein change: p.Gly341Arg; replaces glycine 341 with arginine.
Molecular consequence: missense variant.
Genome position (GRCh38, 1-based): chrX:49,074,865, C>T on the plus strand (G>A on the coding strand, the complement: WDR45 is on the minus strand). VCF-style: chrX-49074865-C-T. GRCh37 (hg19) VCF-style: chrX-48932524-C-T.
Other names: c.1024G>A, p.Gly342Arg (NM_007075.4); short protein forms G341R, G342R.
Identifiers: ClinVar variation 1054825 (VCV001054825.10), dbSNP rs1557083823, ClinGen allele CA412941385.
Genomic context (GRCh38, chrX:49,074,865, plus strand): 5'-AAAAGTCATCATCATCACAGATGTCAAGGTACACGTCGAAAGCCTCTCTGTTGCAGTTTC[C>T]ATCAGGAGTGAAGACATATTTGTGGAAGGTCCCATCTACGCAGATGGCTGGGGGAGGGGG-3'
Protein context (NP_001025067.1, residues 331-351): TFHKYVFTPD[Gly341Arg]NCNREAFDVY

ClinVar aggregate classification (germline): Uncertain significance (1 of 4 stars; one submission).

Conditions:
Neurodegeneration with brain iron accumulation 5 (NBIA5). Also called: STATIC ENCEPHALOPATHY OF CHILDHOOD WITH NEURODEGENERATION IN ADULTHOOD; Beta-propeller protein-associated neurodegeneration. Identifiers: Orphanet 329284, MedGen C3550973, MONDO:0010476, OMIM 300894.

Submissions (3):

Labcorp Genetics (formerly Invitae), Labcorp
Classification: Uncertain significance for Neurodegeneration with brain iron accumulation 5. Last evaluated: 2022-11-15. Review status: criteria provided, single submitter. Criteria: Invitae Variant Classification Sherloc (09022015). Collection method: clinical testing. Allele origin: germline.
Comment: This sequence change replaces glycine, which is neutral and non-polar, with arginine, which is basic and polar, at codon 342 of the WDR45 protein (p.Gly342Arg). This variant is not present in population databases (gnomAD no frequency). This variant has not been reported in the literature in individuals affected with WDR45-related conditions. ClinVar contains an entry for this variant (Variation ID: 1054825). Advanced modeling of protein sequence and biophysical properties (such as structural, functional, and spatial information, amino acid conservation, physicochemical variation, residue mobility, and thermodynamic stability) performed at Invitae indicates that this missense variant is expected to disrupt WDR45 protein function. Algorithms developed to predict the effect of sequence changes on RNA splicing suggest that this variant may create or strengthen a splice site. In summary, the available evidence is currently insufficient to determine the role of this variant in disease. Therefore, it has been classified as a Variant of Uncertain Significance.

Dr. Peter K. Rogan Lab, Western University
No classification provided (evidence only). Condition: Thyroid cancer, nonmedullary, 1. Review status: no classification provided. Collection method: in vitro. Allele origin: not applicable. Functional consequence: retained intron. Not counted in ClinVar's aggregate classification.

Dr. Peter K. Rogan Lab, Western University
No classification provided (evidence only). Condition: Nonpapillary renal cell carcinoma. Review status: no classification provided. Collection method: in vitro. Allele origin: not applicable. Functional consequence: retained intron. Not counted in ClinVar's aggregate classification.